The following is an entry in ClinVar:

NM_003900.5(SQSTM1):c.789G>A (p.Gly263=)

Gene: SQSTM1 (sequestosome 1; plus strand). Cytogenetic location: 5q35.3.
Variant type: single nucleotide variant.
Coding change: c.789G>A on transcript NM_003900.5 (MANE Select); coding-DNA position 789, G replaced by A.
Protein change: p.Gly263=; no amino-acid change (glycine 263 retained).
Molecular consequence: synonymous variant.
Genome position (GRCh38, 1-based): chr5:179,833,066, G>A. VCF-style: chr5-179833066-G-A. GRCh37 (hg19) VCF-style: chr5-179260066-G-A.
Other names: c.789G>A (NM_003900.4); c.537G>A, p.Gly179= (NM_001142298.2, NM_001142299.2).
Identifiers: ClinVar variation 1166057 (VCV001166057.15), dbSNP rs200889080, ClinGen allele CA3600682.

ClinVar aggregate classification (germline): Benign/Likely benign. Review status: criteria provided, multiple submitters, no conflicts (2 of 4 stars). 3 submissions from 3 submitters: Benign (1); Likely benign (1). 1 of the submissions does not count toward it. Last evaluated 2026-01-01.

Conditions:
Frontotemporal dementia and/or amyotrophic lateral sclerosis 1 (FTDALS1). Also called: C9orf72 Frontotemporal Dementia and/or Amyotrophic Lateral Sclerosis; Frontotemporal dementia with motor neuron disease 1. Identifiers: Orphanet 275872, MedGen C5779877, MONDO:0007105, OMIM 105550.
Paget disease of bone 2, early-onset (PDB2). Also called: Paget disease of bone 2. Identifiers: MedGen C4085251, MONDO:0011183, OMIM 602080.
SQSTM1-related disorder. Also called: SQSTM1-Related Disorders.

Allele frequency attached by ClinVar (database versions not stated): gnomAD exomes 0.00002 and 0.00012; gnomAD 0.00004 and 0.00006; TOPMed 0.00008; ExAC 0.00012; 1000 Genomes Project 0.00060; 1000 Genomes Project 30x 0.00062.
gnomAD v4.1: 35 of 1,614,214 alleles (0.0022%); highest among the groups gnomAD compares: East Asian, 0.067%; no homozygotes.

Submissions (3):

CeGaT Center for Human Genetics Tuebingen
Classification: Likely benign. Last evaluated: 2026-01-01. Review status: criteria provided, single submitter. Criteria: CeGaT Center For Human Genetics Tuebingen Variant Classification Criteria Version 2. Collection method: clinical testing. Allele origin: germline. Affected: yes. Observed: 1 variant allele.
Comment: SQSTM1: BP4, BP7

Labcorp Genetics (formerly Invitae), Labcorp
Classification: Benign for Paget disease of bone 2, early-onset; Frontotemporal dementia and/or amyotrophic lateral sclerosis 1. Last evaluated: 2025-12-02. Review status: criteria provided, single submitter. Criteria: Invitae Variant Classification Sherloc (09022015). Collection method: clinical testing. Allele origin: germline.

PreventionGenetics, part of Exact Sciences
Classification: Likely benign for SQSTM1-related condition. Last evaluated: 2024-09-08. Review status: no assertion criteria provided. Collection method: clinical testing. Allele origin: germline. Not counted in ClinVar's aggregate classification.
Comment: This variant is classified as likely benign based on ACMG/AMP sequence variant interpretation guidelines (Richards et al. 2015 PMID: 25741868, with internal and published modifications).